The following is an entry in ClinVar:

NM_016427.3(ELOA2):c.500G>C (p.Arg167Pro)

Genes: ELOA2 (elongin A2; minus strand), KATNAL2 (katanin catalytic subunit A1 like 2; plus strand). Cytogenetic location: 18q21.1.
Variant type: single nucleotide variant.
Coding change: c.500G>C on transcript NM_016427.3 (MANE Select); coding-DNA position 500, G replaced by C.
Protein change: p.Arg167Pro; replaces arginine 167 with proline.
Molecular consequence: missense variant. On other transcripts: intron variant (14).
Genome position (GRCh38, 1-based): chr18:47,034,765, C>G on the plus strand (G>C on the coding strand, the complement: ELOA2 is on the minus strand). VCF-style: chr18-47034765-C-G. GRCh37 (hg19) VCF-style: chr18-44561136-C-G.
Other names: c.-1-23470C>G (NM_001353904.1, NM_001353903.1, NM_001353907.1 and 3 more transcripts); c.130-11692C>G (NM_001353899.1, NM_001353900.1, NM_001353902.1); c.52-11692C>G (NM_001353901.1, NM_001387690.1, NM_001367621.1); c.-294-11692C>G (NM_001353905.1); c.-94-18115C>G (NM_031303.3); short protein forms R167P.
Identifiers: ClinVar variation 4872438 (VCV004872438.2).
Genomic context (GRCh38, chr18:47,034,765, plus strand): 5'-GCGGGCTCAGGGCCCTCGGGCATCCGGAGGGGAGCTGTGCGCGTTGGAGAGGCCCGATAG[C>G]GGCCGGAATCAGCTGGGGCTATTCTGGGGCACTTTCTCTCAGCTCTGGGCTCGCGACTGT-3'
Protein context (NP_057511.2, residues 157-177): CPRIAPADSG[Arg167Pro]YRASPTRTAP

ClinVar aggregate classification (germline): Likely benign (1 of 4 stars; one submission).

gnomAD v4.1: 2,119 of 1,605,842 alleles (0.13%); highest among the groups gnomAD compares: Non-Finnish European, 0.17%; 58 homozygotes.

Submission:

CeGaT Center for Human Genetics Tuebingen
Classification: Likely benign. Last evaluated: 2026-06-01. Review status: criteria provided, single submitter. Criteria: CeGaT Center For Human Genetics Tuebingen Variant Classification Criteria Version 2. Collection method: clinical testing. Allele origin: germline. Affected: yes. Observed: 1 variant allele.
Comment: ELOA2: BP4, BS2